The following is an entry in ClinVar:

NM_001303256.3(MORC2):c.51A>G (p.Glu17=)

Gene: MORC2 (MORC family CW-type zinc finger 2; minus strand). Cytogenetic location: 22q12.2.
Variant type: single nucleotide variant.
Coding change: c.51A>G on transcript NM_001303256.3 (MANE Select); coding-DNA position 51, A replaced by G.
Protein change: p.Glu17=; no amino-acid change (glutamic acid 17 retained).
Molecular consequence: synonymous variant. On other transcripts: 5 prime UTR variant (1).
Genome position (GRCh38, 1-based): chr22:30,967,839, T>C on the plus strand (A>G on the coding strand, the complement: MORC2 is on the minus strand). VCF-style: chr22-30967839-T-C. GRCh37 (hg19) VCF-style: chr22-31363825-T-C.
Other names: c.51A>G, p.Glu17= (NM_001303257.2); c.-1002A>G (NM_014941.3); c.51A>G (NM_001303256.2).
Identifiers: ClinVar variation 2142141 (VCV002142141.5), dbSNP rs1002524412, ClinGen allele CA323626805.

ClinVar aggregate classification (germline): Likely benign. Review status: criteria provided, multiple submitters, no conflicts (2 of 4 stars). 2 submissions from 2 submitters: Likely benign (2). Last evaluated 2025-11-09.

Conditions:
MORC2-related disorder. Also called: MORC2-related condition.
Charcot-Marie-Tooth disease axonal type 2Z. Also called: CHARCOT-MARIE-TOOTH DISEASE, AXONAL, AUTOSOMAL DOMINANT, TYPE 2Z; CHARCOT-MARIE-TOOTH NEUROPATHY, TYPE 2Z. Identifiers: Orphanet 466768, MedGen C5569025, MONDO:0014736, OMIM 616688.

Allele frequency attached by ClinVar (database versions not stated): gnomAD 0.00003; TOPMed 0.00003; gnomAD exomes 0.00004.
gnomAD v4.1: 59 of 1,551,074 alleles (0.0038%); highest among the groups gnomAD compares: Non-Finnish European, 0.0049%; no homozygotes.

Submissions (2):

Labcorp Genetics (formerly Invitae), Labcorp
Classification: Likely benign for Charcot-Marie-Tooth disease axonal type 2Z. Last evaluated: 2025-11-09. Review status: criteria provided, single submitter. Criteria: Invitae Variant Classification Sherloc (09022015). Collection method: clinical testing. Allele origin: germline.

PreventionGenetics, part of Exact Sciences
Classification: Likely benign for MORC2-related condition. Last evaluated: 2025-03-31. Review status: criteria provided, single submitter. Criteria: ACMG Guidelines, 2015. Collection method: clinical testing. Allele origin: germline.
Comment: This variant is classified as likely benign based on ACMG/AMP sequence variant interpretation guidelines (Richards et al. 2015 PMID: 25741868, with internal and published modifications).